The following is an entry in ClinVar:

ClinVar aggregate classification (germline): Likely pathogenic (1 of 4 stars; one submission).

Conditions:
Spinal muscular atrophy with congenital bone fractures 2 (SMABF2). Identifiers: MedGen C4225176, MONDO:0014807, OMIM 616867.

Submission:

Laboratoire Génétique Moléculaire, CHRU TOURS
Classification: Likely pathogenic for Spinal muscular atrophy with congenital bone fractures 2. Last evaluated: 2023-01-03. Review status: criteria provided, single submitter. Criteria: ACMG Guidelines, 2015. Collection method: clinical testing. Allele origin: biparental. Affected: yes.
Comment: PM2;PM3;PP3;PP4

NM_001198800.3(ASCC1):c.473T>C (p.Leu158Pro)

Gene: ASCC1 (activating signal cointegrator 1 complex subunit 1; minus strand). Cytogenetic location: 10q22.1.
Variant type: single nucleotide variant.
Coding change: c.473T>C on transcript NM_001198800.3 (MANE Select); coding-DNA position 473, T replaced by C.
Protein change: p.Leu158Pro; replaces leucine 158 with proline.
Molecular consequence: missense variant. On other transcripts: non-coding transcript variant (1).
Genome position (GRCh38, 1-based): chr10:72,196,827, A>G on the plus strand (T>C on the coding strand, the complement: ASCC1 is on the minus strand). VCF-style: chr10-72196827-A-G. GRCh37 (hg19) VCF-style: chr10-73956585-A-G.
Other names: c.473T>C, p.Leu158Pro (NM_001198798.2, NM_001369087.1, NM_001369088.1 and 18 more transcripts); c.557T>C, p.Leu186Pro (NM_001198799.3); c.539T>C, p.Leu180Pro (NM_001369085.1, NM_001369086.1, NM_001369099.1); c.356T>C, p.Leu119Pro (NM_001369101.1, NM_001369102.1, NM_001369105.1 and 2 more transcripts); short protein forms L186P, L119P, L180P, L158P.
Identifiers: ClinVar variation 4294356 (VCV004294356.1).
Genomic context (GRCh38, chr10:72,196,827, plus strand): 5'-ATATTTAACTTTTTTTTTAACCTTCTTGCTTTGTTTGCACTTACCATGGAGCACTTCGCC[A>G]GTACTTCCTCCTGGAATCTCAGGAATCCTTCCTGAACCTCAACTTCATTGAGGAAAAAGG-3'
Protein context (NP_001185729.1, residues 148-168): EGFLRFQEEV[Leu158Pro]AKCSMDHGVD